The following is an entry in ClinVar:

ClinVar aggregate classification (germline): Uncertain significance. Review status: criteria provided, multiple submitters, no conflicts (2 of 4 stars). 3 submissions from 3 submitters: Uncertain significance (3). Last evaluated 2025-07-17.

Conditions:
Endometrial carcinoma. Also called: Endometrial carcinoma, somatic. Identifiers: MedGen C0476089, MONDO:0002447, OMIM 608089, HP:0012114.
Hereditary cancer-predisposing syndrome. Also called: Neoplastic Syndromes, Hereditary; Tumor predisposition; Hereditary neoplastic syndrome; Hereditary Cancer Syndrome. Identifiers: Orphanet 140162, MedGen C0027672, MeSH D009386, MONDO:0015356.

Allele frequency attached by ClinVar (database versions not stated): gnomAD 0.00001.
gnomAD v4.1: 1 of 1,613,636 alleles (0.000062%); highest among the groups gnomAD compares: East Asian, 0.0022%; no homozygotes.

Submissions (3):

Ambry Genetics
Classification: Uncertain significance for Hereditary cancer-predisposing syndrome. Last evaluated: 2025-07-17. Review status: criteria provided, single submitter. Criteria: Ambry Variant Classification Scheme 2023. Collection method: clinical testing. Allele origin: germline.
Comment: The p.T1060N variant (also known as c.3179C>A), located in coding exon 23 of the MSH3 gene, results from a C to A substitution at nucleotide position 3179. The threonine at codon 1060 is replaced by asparagine, an amino acid with similar properties. This amino acid position is conserved. In addition, the in silico prediction for this alteration is inconclusive. Based on the available evidence, the clinical significance of this variant remains unclear.

Labcorp Genetics (formerly Invitae), Labcorp
Classification: Uncertain significance. Last evaluated: 2024-04-11. Review status: criteria provided, single submitter. Criteria: Invitae Variant Classification Sherloc (09022015). Collection method: clinical testing. Allele origin: germline.
Comment: This sequence change replaces threonine, which is neutral and polar, with asparagine, which is neutral and polar, at codon 1060 of the MSH3 protein (p.Thr1060Asn). This variant is not present in population databases (gnomAD no frequency). This variant has not been reported in the literature in individuals affected with MSH3-related conditions. An algorithm developed to predict the effect of missense changes on protein structure and function (PolyPhen-2) suggests that this variant is likely to be disruptive. In summary, the available evidence is currently insufficient to determine the role of this variant in disease. Therefore, it has been classified as a Variant of Uncertain Significance.

Baylor Genetics
Classification: Uncertain significance for Endometrial carcinoma. Last evaluated: 2024-01-17. Review status: criteria provided, single submitter. Criteria: ACMG Guidelines, 2015. Collection method: clinical testing. Allele origin: unknown.

NM_002439.5(MSH3):c.3179C>A (p.Thr1060Asn)

Gene: MSH3 (mutS homolog 3; plus strand). Cytogenetic location: 5q14.1.
Variant type: single nucleotide variant.
Coding change: c.3179C>A on transcript NM_002439.5 (MANE Select); coding-DNA position 3179, C replaced by A.
Protein change: p.Thr1060Asn; replaces threonine 1060 with asparagine.
Molecular consequence: missense variant.
Genome position (GRCh38, 1-based): chr5:80,873,164, C>A. VCF-style: chr5-80873164-C-A. GRCh37 (hg19) VCF-style: chr5-80168983-C-A.
Other names: c.3179C>A (NM_002439.3); short protein forms T1060N.
Identifiers: ClinVar variation 3239772 (VCV003239772.4), dbSNP rs2112128668.